The following is an entry in ClinVar:

NM_001330078.2(NRXN1):c.1913A>T (p.Tyr638Phe)

Gene: NRXN1 (neurexin 1; minus strand). Cytogenetic location: 2p16.3.
Variant type: single nucleotide variant.
Coding change: c.1913A>T on transcript NM_001330078.2 (MANE Select); coding-DNA position 1913, A replaced by T.
Protein change: p.Tyr638Phe; replaces tyrosine 638 with phenylalanine.
Molecular consequence: missense variant.
Genome position (GRCh38, 1-based): chr2:50,538,483, T>A on the plus strand (A>T on the coding strand, the complement: NRXN1 is on the minus strand). VCF-style: chr2-50538483-T-A. GRCh37 (hg19) VCF-style: chr2-50765621-T-A.
Other names: c.2033A>T, p.Tyr678Phe (NM_001135659.3); c.1889A>T, p.Tyr630Phe (NM_001330077.2, NM_001330082.2, NM_001330095.2); c.1874A>T, p.Tyr625Phe (NM_001330083.2, NM_001330084.2); c.1913A>T, p.Tyr638Phe (NM_001330085.2, NM_001330086.2, NM_004801.6); c.1829A>T, p.Tyr610Phe (NM_001330087.2, NM_001330096.2); c.1859A>T, p.Tyr620Phe (NM_001330088.2); c.1910A>T, p.Tyr637Phe (NM_001330093.2); c.1901A>T, p.Tyr634Phe (NM_001330094.2); short protein forms Y625F, Y678F, Y620F, Y610F, Y630F, Y634F, Y637F, Y638F.
Identifiers: ClinVar variation 4721842 (VCV004721842.1).
Genomic context (GRCh38, chr2:50,538,483, plus strand): 5'-TGCCGGATATCTTTGCTTTGGCCATCGATGAACAAATCCCTGATGCAGCCCACGTAGCCA[T>A]AGTTGAGCAGAGCAGTCCACACCTCGGTGGGGAAGACAAGGCCAGCTTTATTTTCTGGCA-3'
Protein context (NP_001317007.1, residues 628-648): PTEVWTALLN[Tyr638Phe]GYVGCIRDLF

ClinVar aggregate classification (germline): Uncertain significance (1 of 4 stars; one submission).

Conditions:
Pitt-Hopkins-like syndrome 2 (PTHSL2). Identifiers: Orphanet 221150, Orphanet 600663, MedGen C3280479, MONDO:0013690, OMIM 614325.

gnomAD v4.1: 1 of 1,613,816 alleles (0.000062%); highest among the groups gnomAD compares: Non-Finnish European, 0.000085%; no homozygotes.

Submission:

Labcorp Genetics (formerly Invitae), Labcorp
Classification: Uncertain significance for Pitt-Hopkins-like syndrome 2. Last evaluated: 2025-06-22. Review status: criteria provided, single submitter. Criteria: Invitae Variant Classification Sherloc (09022015). Collection method: clinical testing. Allele origin: germline.
Comment: This sequence change replaces tyrosine, which is neutral and polar, with phenylalanine, which is neutral and non-polar, at codon 678 of the NRXN1 protein (p.Tyr678Phe). This variant is not present in population databases (gnomAD no frequency). This variant has not been reported in the literature in individuals affected with NRXN1-related conditions. An algorithm developed to predict the effect of missense changes on protein structure and function (PolyPhen-2) suggests that this variant is likely to be disruptive. In summary, the available evidence is currently insufficient to determine the role of this variant in disease. Therefore, it has been classified as a Variant of Uncertain Significance.